The following is an entry in ClinVar:

ClinVar aggregate classification (germline): Pathogenic (1 of 4 stars; one submission).

Conditions:
Primary ciliary dyskinesia. Also called: Ciliary dyskinesia. Identifiers: Orphanet 244, MedGen C0008780, MONDO:0016575, HP:0012265.

Allele frequency attached by ClinVar (database versions not stated): gnomAD exomes below 0.00001.
gnomAD v4.1: 4 of 1,487,122 alleles (0.00027%); highest among the groups gnomAD compares: Non-Finnish European, 0.00037%; no homozygotes.

Submission:

Labcorp Genetics (formerly Invitae), Labcorp
Classification: Pathogenic for Primary ciliary dyskinesia. Last evaluated: 2025-07-27. Review status: criteria provided, single submitter. Criteria: Invitae Variant Classification Sherloc (09022015). Collection method: clinical testing. Allele origin: germline.
Comment: This sequence change creates a premature translational stop signal (p.Gln1258*) in the DNAH11 gene. It is expected to result in an absent or disrupted protein product. Loss-of-function variants in DNAH11 are known to be pathogenic (PMID: 18022865, 20513915, 22184204). This variant is not present in population databases (gnomAD no frequency). This variant has not been reported in the literature in individuals affected with DNAH11-related conditions. ClinVar contains an entry for this variant (Variation ID: 2969411). Algorithms developed to predict the effect of sequence changes on RNA splicing suggest that this variant may disrupt the consensus splice site. For these reasons, this variant has been classified as Pathogenic.

Literature cited by the submitters: PubMed 18022865; PubMed 20513915; PubMed 22184204.

NM_001277115.2(DNAH11):c.3772C>T (p.Gln1258Ter)

Gene: DNAH11 (dynein axonemal heavy chain 11; plus strand). Cytogenetic location: 7p15.3.
Variant type: single nucleotide variant.
Coding change: c.3772C>T on transcript NM_001277115.2 (MANE Select); coding-DNA position 3772, C replaced by T.
Protein change: p.Gln1258Ter; replaces glutamine 1258 with a stop codon.
Molecular consequence: nonsense.
Genome position (GRCh38, 1-based): chr7:21,606,653, C>T. VCF-style: chr7-21606653-C-T. GRCh37 (hg19) VCF-style: chr7-21646271-C-T.
Other names: c.3772C>T, p.Gln1258Ter (NM_003777.3); short protein forms Q1258*.
Identifiers: ClinVar variation 2969411 (VCV002969411.3), dbSNP rs980444912, ClinGen allele CA366948324.